The following is an entry in ClinVar:

ClinVar aggregate classification (germline): Uncertain significance. Review status: criteria provided, multiple submitters, no conflicts (2 of 4 stars). 4 submissions from 4 submitters: Uncertain significance (3). 1 of the submissions does not count toward it. Last evaluated 2024-10-08.

Conditions:
Inborn genetic diseases. Identifiers: MedGen C0950123, MeSH D030342.
Pontocerebellar hypoplasia type 2D (PCH2D). Also called: Progressive cerebello-cerebral atrophy. Identifiers: Orphanet 247198, Orphanet 2524, MedGen C3151140, MONDO:0013438, OMIM 613811.

Allele frequency attached by ClinVar (database versions not stated): ExAC 0.00001; gnomAD exomes 0.00001 and 0.00002; ESP Exome Variant Server 0.00008; gnomAD 0.00009; TOPMed 0.00011.

Submissions (4):

Ambry Genetics
Classification: Uncertain significance for Inborn genetic diseases. Last evaluated: 2024-10-08. Review status: criteria provided, single submitter. Criteria: Ambry Variant Classification Scheme 2023. Collection method: clinical testing. Allele origin: germline.

Labcorp Genetics (formerly Invitae), Labcorp
Classification: Uncertain significance. Last evaluated: 2021-12-03. Review status: criteria provided, single submitter. Criteria: Invitae Variant Classification Sherloc (09022015). Collection method: clinical testing. Allele origin: germline.
Comment: This sequence change replaces glycine, which is neutral and non-polar, with aspartic acid, which is acidic and polar, at codon 195 of the SEPSECS protein (p.Gly195Asp). This variant is present in population databases (rs139718374, gnomAD 0.02%). This variant has not been reported in the literature in individuals affected with SEPSECS-related conditions. ClinVar contains an entry for this variant (Variation ID: 432393). Algorithms developed to predict the effect of missense changes on protein structure and function are either unavailable or do not agree on the potential impact of this missense change (SIFT: "Tolerated"; PolyPhen-2: "Probably Damaging"; Align-GVGD: "Class C0"). In summary, the available evidence is currently insufficient to determine the role of this variant in disease. Therefore, it has been classified as a Variant of Uncertain Significance.

GeneDx
Classification: Uncertain significance. Last evaluated: 2020-12-22. Review status: criteria provided, single submitter. Criteria: GeneDx Variant Classification Process June 2021. Collection method: clinical testing. Allele origin: germline. Affected: yes.
Comment: In silico analysis supports that this missense variant has a deleterious effect on protein structure/function; Has not been previously published as pathogenic or benign to our knowledge

Natera, Inc.
Classification: Uncertain significance for Pontocerebellar hypoplasia type 2d. Last evaluated: 2019-11-11. Review status: no assertion criteria provided. Collection method: clinical testing. Allele origin: germline. Not counted in ClinVar's aggregate classification.

NM_016955.4(SEPSECS):c.584G>A (p.Gly195Asp)

Gene: SEPSECS (Sep (O-phosphoserine) tRNA:Sec (selenocysteine) tRNA synthase; minus strand). Cytogenetic location: 4p15.2.
Variant type: single nucleotide variant.
Coding change: c.584G>A on transcript NM_016955.4 (MANE Select); coding-DNA position 584, G replaced by A.
Protein change: p.Gly195Asp; replaces glycine 195 with aspartic acid.
Molecular consequence: missense variant.
Genome position (GRCh38, 1-based): chr4:25,155,115, C>T on the plus strand (G>A on the coding strand, the complement: SEPSECS is on the minus strand). VCF-style: chr4-25155115-C-T. GRCh37 (hg19) VCF-style: chr4-25156737-C-T.
Other names: short protein forms G195D.
Identifiers: ClinVar variation 432393 (VCV000432393.8), dbSNP rs139718374, ClinGen allele CA2877398.